The following is an entry in ClinVar:

NM_000059.4(BRCA2):c.7263G>T (p.Gln2421His)

Gene: BRCA2 (BRCA2 DNA repair associated; plus strand). Cytogenetic location: 13q13.1.
Variant type: single nucleotide variant.
Coding change: c.7263G>T on transcript NM_000059.4 (MANE Select); coding-DNA position 7263, G replaced by T.
Protein change: p.Gln2421His; replaces glutamine 2421 with histidine.
Molecular consequence: missense variant. On other transcripts: non-coding transcript variant (1).
Genome position (GRCh38, 1-based): chr13:32,355,116, G>T. VCF-style: chr13-32355116-G-T. GRCh37 (hg19) VCF-style: chr13-32929253-G-T.
Other names: c.7167G>T, p.Gln2389His (NM_001406719.1); c.7263G>T, p.Gln2421His (NM_001406720.1, NM_001432077.1); c.2331G>T, p.Gln777His (NM_001406721.1); c.846G>T, p.Gln282His (NM_001406722.1); short protein forms Q2421H, Q2389H, Q282H, Q777H.
Identifiers: ClinVar variation 5033374 (VCV005033374.1).
Genomic context (GRCh38, chr13:32,355,116, plus strand): 5'-ACCAACCAAAGTCTTTGTTCCACCTTTTAAAACTAAATCACATTTTCACAGAGTTGAACA[G>T]TGTGTTAGGAATATTAACTTGGAGGAAAACAGACAAAAGCAAAACATTGATGGACATGGC-3'
Protein context (NP_000050.3, residues 2411-2431): KTKSHFHRVE[Gln2421His]CVRNINLEEN

ClinVar aggregate classification (germline): Uncertain significance (1 of 4 stars; one submission).

Conditions:
Hereditary cancer-predisposing syndrome. Also called: Neoplastic Syndromes, Hereditary; Tumor predisposition; Hereditary neoplastic syndrome; Hereditary Cancer Syndrome. Identifiers: Orphanet 140162, MedGen C0027672, MeSH D009386, MONDO:0015356.

Submission:

Ambry Genetics
Classification: Uncertain significance for Hereditary cancer-predisposing syndrome. Last evaluated: 2026-09-14. Review status: criteria provided, single submitter. Criteria: Ambry Variant Classification Scheme 2023. Collection method: clinical testing. Allele origin: germline.
Comment: The p.Q2421H variant (also known as c.7263G>T), located in coding exon 13 of the BRCA2 gene, results from a G to T substitution at nucleotide position 7263. The glutamine at codon 2421 is replaced by histidine, an amino acid with highly similar properties. This amino acid position is not well conserved in available vertebrate species. In addition, this alteration is predicted to be tolerated by in silico analysis. Based on the available evidence, the clinical significance of this variant remains unclear.